The following is an entry in ClinVar:

ClinVar aggregate classification (germline): Likely benign (1 of 4 stars; one submission).

Submission:

CeGaT Center for Human Genetics Tuebingen
Classification: Likely benign. Last evaluated: 2023-03-01. Review status: criteria provided, single submitter. Criteria: CeGaT Center For Human Genetics Tuebingen Variant Classification Criteria Version 2. Collection method: clinical testing. Allele origin: germline. Affected: yes. Observed: 1 variant allele.
Comment: MTCL1: BS2

NM_001395333.1(MTCL1):c.2885_2899del (p.Arg962_Glu966del)

Gene: MTCL1 (microtubule crosslinking factor 1; plus strand). Cytogenetic location: 18p11.22.
Variant type: Deletion.
Coding change: c.2885_2899del on transcript NM_001395333.1 (MANE Select); coding-DNA positions 2885 to 2899, 15 bases deleted (GAGCCGCGCGGGAGC).
Protein change: p.Arg962_Glu966del.
Molecular consequence: inframe deletion.
Genome position (GRCh38, 1-based): chr18:8,786,009-8,786,023, GAGCCGCGCGGGAGC deleted; deleting any 15 consecutive bases within chr18:8,786,008-8,786,023 gives the same sequence; the c. name uses the placement nearest the transcript's 3' end. VCF-style (leftmost placement, unchanged base first): chr18-8786007-CCGAGCCGCGCGGGAG-C. GRCh37 (hg19) VCF-style: chr18-8786005-CCGAGCCGCGCGGGAG-C.
Other names: c.2885_2899del, p.Arg962_Glu966del (NM_001378205.1, NM_001378206.1, NM_001378207.1); c.1805_1819del, p.Arg602_Glu606del (NM_001395220.1, NM_015210.4).
Identifiers: ClinVar variation 2648556 (VCV002648556.24), dbSNP rs569097168, ClinGen allele CA8886030.